The following is an entry in ClinVar:

NM_000143.4(FH):c.1068del (p.Ile357fs)

Gene: FH (fumarate hydratase; minus strand). Cytogenetic location: 1q43.
Variant type: Deletion.
Coding change: c.1068del on transcript NM_000143.4 (MANE Select); coding-DNA position 1068, one base deleted (G; older notation c.1068delG).
Protein change: p.Ile357fs; shifts the reading frame from isoleucine 357.
Molecular consequence: frameshift variant.
Genome position (GRCh38, 1-based): chr1:241,504,082, C deleted on the plus strand (G on the coding strand, the reverse complement: FH is on the minus strand). VCF-style (leftmost placement, unchanged base first): chr1-241504081-TC-T. GRCh37 (hg19) VCF-style: chr1-241667381-TC-T.
Other names: short protein forms I357fs.
Identifiers: ClinVar variation 1782521 (VCV001782521.3), dbSNP rs2527319143, ClinGen allele CA2580063487.

ClinVar aggregate classification (germline): Pathogenic (1 of 4 stars; one submission).

Conditions:
Hereditary cancer-predisposing syndrome. Also called: Neoplastic Syndromes, Hereditary; Tumor predisposition; Hereditary Cancer Syndrome; Hereditary neoplastic syndrome. Identifiers: Orphanet 140162, MedGen C0027672, MeSH D009386, MONDO:0015356.

Submission:

Ambry Genetics
Classification: Pathogenic for Hereditary cancer-predisposing syndrome. Last evaluated: 2025-07-29. Review status: criteria provided, single submitter. Criteria: Ambry Variant Classification Scheme 2023. Collection method: clinical testing. Allele origin: germline.
Comment: The c.1068delG pathogenic mutation, located in coding exon 7 of the FH gene, results from a deletion of one nucleotide at nucleotide position 1068, causing a translational frameshift with a predicted alternate stop codon (p.I357Sfs*16). This variant is considered to be rare based on population cohorts in the Genome Aggregation Database (gnomAD). This alteration is expected to result in loss of function by premature protein truncation or nonsense-mediated mRNA decay. As such, this alteration is interpreted as a disease-causing mutation.